The following is an entry in ClinVar:

ClinVar aggregate classification (germline): Uncertain significance (1 of 4 stars; one submission).

Allele frequency attached by ClinVar (database versions not stated): gnomAD exomes below 0.00001; gnomAD 0.00001.
gnomAD v4.1: 5 of 1,613,848 alleles (0.00031%); highest among the groups gnomAD compares: African/African-American, 0.0067%; no homozygotes.

Submission:

Labcorp Genetics (formerly Invitae), Labcorp
Classification: Uncertain significance. Last evaluated: 2024-08-13. Review status: criteria provided, single submitter. Criteria: Invitae Variant Classification Sherloc (09022015). Collection method: clinical testing. Allele origin: germline.
Comment: This sequence change replaces valine, which is neutral and non-polar, with isoleucine, which is neutral and non-polar, at codon 2054 of the CHD8 protein (p.Val2054Ile). The frequency data for this variant in the population databases is considered unreliable, as metrics indicate poor data quality at this position in the gnomAD database. This variant has not been reported in the literature in individuals affected with CHD8-related conditions. Advanced modeling of protein sequence and biophysical properties (such as structural, functional, and spatial information, amino acid conservation, physicochemical variation, residue mobility, and thermodynamic stability) performed at Invitae indicates that this missense variant is not expected to disrupt CHD8 protein function with a negative predictive value of 80%. In summary, the available evidence is currently insufficient to determine the role of this variant in disease. Therefore, it has been classified as a Variant of Uncertain Significance.

NM_001170629.2(CHD8):c.6160G>A (p.Val2054Ile)

Gene: CHD8 (chromodomain helicase DNA binding protein 8; minus strand). Cytogenetic location: 14q11.2.
Variant type: single nucleotide variant.
Coding change: c.6160G>A on transcript NM_001170629.2 (MANE Select); coding-DNA position 6160, G replaced by A.
Protein change: p.Val2054Ile; replaces valine 2054 with isoleucine.
Molecular consequence: missense variant.
Genome position (GRCh38, 1-based): chr14:21,393,635, C>T on the plus strand (G>A on the coding strand, the complement: CHD8 is on the minus strand). VCF-style: chr14-21393635-C-T. GRCh37 (hg19) VCF-style: chr14-21861794-C-T.
Other names: c.5323G>A, p.Val1775Ile (NM_020920.4); short protein forms V1775I, V2054I.
Identifiers: ClinVar variation 2990621 (VCV002990621.3), dbSNP rs1301235558, ClinGen allele CA388880289.
Genomic context (GRCh38, chr14:21,393,635, plus strand): 5'-CCAGCTCAGAGTCCGAATCATCCTCATCCTCCAGTTTGACTGGTGGAACACTCCGGGAAA[C>T]CAGAGGGGTAGTATCAGAGGGGGATACTCGCATCTCATAGTCTTGTGGGGTTGGTCGGCT-3'
Protein context (NP_001164100.1, residues 2044-2064): RVSPSDTTPL[Val2054Ile]SRSVPPVKLE